The following is an entry in ClinVar:

NM_006245.4(PPP2R5D):c.589G>A (p.Glu197Lys)

Gene: PPP2R5D (protein phosphatase 2 regulatory subunit B'delta; plus strand). Cytogenetic location: 6p21.1.
Variant type: single nucleotide variant.
Coding change: c.589G>A on transcript NM_006245.4 (MANE Select); coding-DNA position 589, G replaced by A.
Protein change: p.Glu197Lys; replaces glutamic acid 197 with lysine.
Molecular consequence: missense variant.
Genome position (GRCh38, 1-based): chr6:43,007,262, G>A. VCF-style: chr6-43007262-G-A. GRCh37 (hg19) VCF-style: chr6-42975000-G-A.
Other names: c.136G>A, p.Glu46Lys (NM_001270476.2); c.493G>A, p.Glu165Lys (NM_180976.3); c.271G>A, p.Glu91Lys (NM_180977.3); short protein forms E197K, E165K, E91K, E46K.
Identifiers: ClinVar variation 217913 (VCV000217913.19), dbSNP rs863225081, ClinGen allele CA325485.
Genomic context (GRCh38, chr6:43,007,262, plus strand): 5'-GTGAACCTCTTCCGGACGCTGCCACCTTCATCGAATCCCACAGGGGCTGAGTTTGACCCA[G>A]AGGAAGATGAGCCCACCCTGGAAGCTGCTTGGCCACATCTCCAGGTACCAGGGCAAGGGG-3'
Protein context (NP_006236.1, residues 187-207): SNPTGAEFDP[Glu197Lys]EDEPTLEAAW

ClinVar aggregate classification (germline): Pathogenic/Likely pathogenic. Review status: criteria provided, multiple submitters, no conflicts (2 of 4 stars). 7 submissions from 7 submitters: Pathogenic (4); Likely pathogenic (2). 1 of the submissions does not count toward it. Last evaluated 2026-01-01.

Conditions:
Houge-Janssens syndrome 1. Also called: Hogue-Janssens syndrome 1; PPP2R5D-Related Neurodevelopmental Disorder; Intellectual disability-macrocephaly-hypotonia-behavioral abnormalities syndrome; INTELLECTUAL DEVELOPMENTAL DISORDER, AUTOSOMAL DOMINANT 35. Identifiers: Orphanet 457279, MedGen C5779996, MONDO:0014602, OMIM 616355.
PPP2R5D-related disorder. Also called: PPP2R5D-related condition.

Submissions (7):

CeGaT Center for Human Genetics Tuebingen
Classification: Pathogenic. Last evaluated: 2026-01-01. Review status: criteria provided, single submitter. Criteria: CeGaT Center For Human Genetics Tuebingen Variant Classification Criteria Version 2. Collection method: clinical testing. Allele origin: germline. Affected: yes. Observed: 1 variant allele.
Comment: PPP2R5D: PM1, PM2, PM5, PS2:Moderate, PS4:Moderate, PP2, PP3, PS3:Supporting

PreventionGenetics, part of Exact Sciences
Classification: Likely pathogenic for PPP2R5D-related condition. Last evaluated: 2024-10-28. Review status: criteria provided, single submitter. Criteria: ACMG Guidelines, 2015. Collection method: clinical testing. Allele origin: germline.
Comment: The PPP2R5D c.589G>A variant is predicted to result in the amino acid substitution p.Glu197Lys. This variant was reported to have arisen de novo in individuals with developmental delays, intellectual disability, macrocephaly, seizures, and autism spectrum disorder (Shang et al. 2016. PubMed ID: 26576547; Zhou et al. 2022. PubMed ID: 35982159; Oyama et al. 2022. PubMed ID: 36216457). This variant has not been reported in a large population database (gnomAD), indicating this variant is rare. This variant is interpreted as likely pathogenic.

Labcorp Genetics (formerly Invitae), Labcorp
Classification: Pathogenic. Last evaluated: 2024-10-08. Review status: criteria provided, single submitter. Criteria: Invitae Variant Classification Sherloc (09022015). Collection method: clinical testing. Allele origin: germline.
Comment: This sequence change replaces glutamic acid, which is acidic and polar, with lysine, which is basic and polar, at codon 197 of the PPP2R5D protein (p.Glu197Lys). This variant is not present in population databases (gnomAD no frequency). This missense change has been observed in individual(s) with a neurodevelopmental disorder (PMID: 26576547; internal data). In at least one individual the variant was observed to be de novo. ClinVar contains an entry for this variant (Variation ID: 217913). An algorithm developed to predict the effect of missense changes on protein structure and function (PolyPhen-2) suggests that this variant is likely to be disruptive. For these reasons, this variant has been classified as Pathogenic.

GeneDx
Classification: Pathogenic. Last evaluated: 2023-02-14. Review status: criteria provided, single submitter. Criteria: GeneDx Variant Classification Process June 2021. Collection method: clinical testing. Allele origin: germline. Affected: yes.
Comment: Not observed at significant frequency in large population cohorts (gnomAD); In silico analysis supports that this missense variant has a deleterious effect on protein structure/function; This variant is associated with the following publications: (PMID: 26576547, 30676711, 34448180, 32074998)

Blueprint Genetics
Classification: Likely pathogenic for PPP2R5D-related disorders. Last evaluated: 2020-05-13. Review status: criteria provided, single submitter. Criteria: ACMG Guidelines, 2015. Collection method: clinical testing. Allele origin: de novo. Affected: yes. Observed: 1 variant allele.

Clinical Genetics Service, Universitary Hospital 12 de Octubre
Classification: Pathogenic for Houge-Janssens syndrome 1. Review status: criteria provided, single submitter. Criteria: ACMG Guidelines, 2015. Collection method: clinical testing. Allele origin: de novo. Affected: yes.

GeneReviews
No classification provided. Condition: Houge-Janssens syndrome 1. Review status: no classification provided. Collection method: literature only. Allele origin: de novo. Not counted in ClinVar's aggregate classification.

Literature cited by the submitters: PubMed 26576547 (cited by Labcorp Genetics (formerly Invitae), Labcorp); NCBI Bookshelf NBK536360 (cited by GeneReviews); PubMed 30676711 (cited by GeneReviews).